The following is an entry in ClinVar:

NM_058179.4(PSAT1):c.181C>T (p.Arg61Trp)

Gene: PSAT1 (phosphoserine aminotransferase 1; plus strand). Cytogenetic location: 9q21.2.
Variant type: single nucleotide variant.
Coding change: c.181C>T on transcript NM_058179.4 (MANE Select); coding-DNA position 181, C replaced by T.
Protein change: p.Arg61Trp; replaces arginine 61 with tryptophan.
Molecular consequence: missense variant.
Genome position (GRCh38, 1-based): chr9:78,302,013, C>T. VCF-style: chr9-78302013-C-T. GRCh37 (hg19) VCF-style: chr9-80916929-C-T.
Other names: c.181C>T, p.Arg61Trp (NM_021154.5); short protein forms R61W.
Identifiers: ClinVar variation 849232 (VCV000849232.14), dbSNP rs150812587, ClinGen allele CA5095543.

ClinVar aggregate classification (germline): Uncertain significance. Review status: criteria provided, multiple submitters, no conflicts (2 of 4 stars). 3 submissions from 3 submitters: Uncertain significance (2). 1 of the submissions does not count toward it. Last evaluated 2025-07-14.

Conditions:
Neu-Laxova syndrome 2. Identifiers: Orphanet 2671, Orphanet 583602, MedGen C4015019, MONDO:0014466, OMIM 616038.

Allele frequency attached by ClinVar (database versions not stated): gnomAD 0.00005; ESP Exome Variant Server 0.00008; ExAC 0.00009; gnomAD exomes 0.00009; TOPMed 0.00014.
gnomAD v4.1: 92 of 1,608,866 alleles (0.0057%); highest among the groups gnomAD compares: South Asian, 0.043%; no homozygotes.

Submissions (3):

GeneDx
Classification: Uncertain significance. Last evaluated: 2025-07-14. Review status: criteria provided, single submitter. Criteria: GeneDx Variant Classification Process June 2021. Collection method: clinical testing. Allele origin: germline. Affected: yes.
Comment: Published functional studies in yeast strains suggest a damaging effect; however, further studies are needed (PMID: 37812589); In silico analysis supports that this missense variant has a deleterious effect on protein structure/function; This variant is associated with the following publications: (PMID: 37812589, 38546032, 36061210, 36599231, 30091983, 32579715)

Labcorp Genetics (formerly Invitae), Labcorp
Classification: Uncertain significance for Neu-Laxova syndrome 2. Last evaluated: 2022-06-29. Review status: criteria provided, single submitter. Criteria: Invitae Variant Classification Sherloc (09022015). Collection method: clinical testing. Allele origin: germline.
Comment: This sequence change replaces arginine, which is basic and polar, with tryptophan, which is neutral and slightly polar, at codon 61 of the PSAT1 protein (p.Arg61Trp). This variant is present in population databases (rs150812587, gnomAD 0.05%). This missense change has been observed in individual(s) with clinical features of PSAT1-related conditions (PMID: 32579715). In at least one individual the data is consistent with being in trans (on the opposite chromosome) from a pathogenic variant. ClinVar contains an entry for this variant (Variation ID: 849232). Algorithms developed to predict the effect of missense changes on protein structure and function are either unavailable or do not agree on the potential impact of this missense change (SIFT: "Deleterious"; PolyPhen-2: "Probably Damaging"; Align-GVGD: "Class C0"). Experimental studies have shown that this missense change affects PSAT1 function (PMID: 32077105). In summary, the available evidence is currently insufficient to determine the role of this variant in disease. Therefore, it has been classified as a Variant of Uncertain Significance.

Dudley Research Group, Pacific Northwest Research Institute
No classification provided. Review status: no classification provided. Collection method: research, in vivo. Allele origin: unknown, not applicable. Functional consequence: loss_of_function_variant. Not counted in ClinVar's aggregate classification.

Literature cited by the submitters: PubMed 32579715 (cited by Labcorp Genetics (formerly Invitae), Labcorp); PubMed 32077105 (cited by Labcorp Genetics (formerly Invitae), Labcorp).